The following is an entry in ClinVar:

NM_004484.4(GPC3):c.1566C>T (p.Phe522=)

Gene: GPC3 (glypican 3; minus strand). Cytogenetic location: Xq26.2.
Variant type: single nucleotide variant.
Coding change: c.1566C>T on transcript NM_004484.4 (MANE Select); coding-DNA position 1566, C replaced by T.
Protein change: p.Phe522=; no amino-acid change (phenylalanine 522 retained).
Molecular consequence: synonymous variant.
Genome position (GRCh38, 1-based): chrX:133,596,447, G>A on the plus strand (C>T on the coding strand, the complement: GPC3 is on the minus strand). VCF-style: chrX-133596447-G-A. GRCh37 (hg19) VCF-style: chrX-132730475-G-A.
Other names: c.1635C>T, p.Phe545= (NM_001164617.2); c.1518C>T, p.Phe506= (NM_001164618.2); c.1404C>T, p.Phe468= (NM_001164619.2).
Identifiers: ClinVar variation 1916745 (VCV001916745.7), dbSNP rs2520746541, ClinGen allele CA518633292.

ClinVar aggregate classification (germline): Likely benign. Review status: criteria provided, single submitter (1 of 4 stars). 2 submissions from 2 submitters: Likely benign (1). 1 of the submissions does not count toward it. Last evaluated 2023-08-17.

Conditions:
GPC3-related disorder. Also called: GPC3-related condition.
Wilms tumor 1 (WT1). Also called: Wilms tumor, somatic. Identifiers: Orphanet 654, MedGen CN033288, MONDO:0008679, OMIM 194070.

Allele frequency attached by ClinVar (database versions not stated): gnomAD exomes below 0.00001.
gnomAD v4.1: 2 of 1,207,738 alleles (0.00017%); highest among the groups gnomAD compares: Non-Finnish European, 0.00022%; no homozygotes.

Submissions (2):

Labcorp Genetics (formerly Invitae), Labcorp
Classification: Likely benign for Wilms tumor 1. Last evaluated: 2023-08-17. Review status: criteria provided, single submitter. Criteria: Invitae Variant Classification Sherloc (09022015). Collection method: clinical testing. Allele origin: germline.

PreventionGenetics, part of Exact Sciences
Classification: Likely benign for GPC3-related condition. Last evaluated: 2022-08-16. Review status: no assertion criteria provided. Collection method: clinical testing. Allele origin: germline. Not counted in ClinVar's aggregate classification.
Comment: This variant is classified as likely benign based on ACMG/AMP sequence variant interpretation guidelines (Richards et al. 2015 PMID: 25741868, with internal and published modifications).